The following is an entry in ClinVar:

ClinVar aggregate classification (germline): other (0 of 4 stars; one submission).

Conditions:
Familial colorectal cancer. Identifiers: MedGen CN280943, MONDO:0023113. Disease mechanism: loss of function.

Allele frequency attached by ClinVar (database versions not stated): gnomAD 0.00106 and 0.00127; TOPMed 0.00177; 1000 Genomes Project 0.00399; 1000 Genomes Project 30x 0.00406.
gnomAD v4.1: 195 of 152,184 alleles (0.13%); highest among the groups gnomAD compares: East Asian, 3.1%; 3 homozygotes.

Submission:

Systems Biology Platform Zhejiang California International NanoSystems Institute
Classification: other for Familial colorectal cancer. Review status: no assertion criteria provided. Collection method: not provided. Allele origin: unknown.
ClinVar note: Converted during submission from cancer to other.

NM_000038.6(APC):c.136-1041T>G

Gene: APC (APC regulator of WNT signaling pathway; plus strand). Cytogenetic location: 5q22.2.
Variant type: single nucleotide variant.
Coding change: c.136-1041T>G on transcript NM_000038.6 (MANE Select); 1041 bases into the intron before coding-DNA position 136, T replaced by G.
Molecular consequence: intron variant.
Genome position (GRCh38, 1-based): chr5:112,765,285, T>G. VCF-style: chr5-112765285-T-G. GRCh37 (hg19) VCF-style: chr5-112100982-T-G.
Other names: c.136-1041T>G (NM_001354895.2, NM_001127510.3, NM_001354896.2 and 2 more transcripts); c.166-1041T>G (NM_001354897.2, NM_001354902.2, NM_001127511.3); c.61-1041T>G (NM_001354898.2, NM_001354904.2); c.-900-1041T>G (NM_001354906.2); c.-42-1041T>G (NM_001354900.2, NM_001354901.2, NM_001354905.2).
Identifiers: ClinVar variation 82865 (VCV000082865.2), dbSNP rs75950054, ClinGen allele CA004468.